The following is an entry in ClinVar:

NM_007294.4(BRCA1):c.3037G>A (p.Glu1013Lys)

Gene: BRCA1 (BRCA1 DNA repair associated; minus strand). Cytogenetic location: 17q21.31.
Variant type: single nucleotide variant.
Coding change: c.3037G>A on transcript NM_007294.4 (MANE Select); coding-DNA position 3037, G replaced by A.
Protein change: p.Glu1013Lys; replaces glutamic acid 1013 with lysine.
Molecular consequence: missense variant. On other transcripts: intron variant (137).
Genome position (GRCh38, 1-based): chr17:43,092,494, C>T on the plus strand (G>A on the coding strand, the complement: BRCA1 is on the minus strand). VCF-style: chr17-43092494-C-T. GRCh37 (hg19) VCF-style: chr17-41244511-C-T.
Other names: c.710-1462G>A (NM_001408414.1, NM_001408411.1, NM_001408415.1 and 2 more transcripts); c.578-1462G>A (NM_001408514.1, NM_001408485.1, NM_001408483.1 and 9 more transcripts); c.662-1462G>A (NM_001408447.1, NM_001408433.1, NM_001408446.1 and 6 more transcripts); c.785-1462G>A (NM_001408400.1, NM_001408392.1, NM_001407986.1 and 13 more transcripts); c.665-1462G>A (NM_001408441.1, NM_001408437.1, NM_001408429.1 and 12 more transcripts); c.788-1462G>A (NM_001407979.1, NM_001407977.1, NM_001407982.1 and 17 more transcripts); c.647-1462G>A (NM_001408410.1, NM_001408458.1, NM_001408469.1 and 11 more transcripts); c.2824G>A, p.Glu942Lys (NM_001407571.1, NM_001407853.1, NM_001407894.1 and 9 more transcripts); and 41 more; short protein forms E1013K, E966K, E1010K, E942K, E987K, E924K, E925K, E943K.
Identifiers: ClinVar variation 433703 (VCV000433703.5), dbSNP rs1555588500, ClinGen allele CA10595919.

ClinVar aggregate classification (germline): Likely benign. Review status: criteria provided, single submitter (1 of 4 stars). 2 submissions from 2 submitters: Likely benign (1). 1 of the submissions does not count toward it. Last evaluated 2023-03-23.

Conditions:
Hereditary cancer-predisposing syndrome. Also called: Hereditary Cancer Syndrome; Hereditary neoplastic syndrome; Neoplastic Syndromes, Hereditary; Tumor predisposition. Identifiers: Orphanet 140162, MedGen C0027672, MeSH D009386, MONDO:0015356.
Malignant tumor of breast. Also called: Malignant breast neoplasm; Cancer breast. Identifiers: MedGen C0006142, MONDO:0007254. Disease mechanism: loss of function.

Submissions (2):

University of Washington Department of Laboratory Medicine, University of Washington
Classification: Likely benign for Hereditary cancer-predisposing syndrome. Last evaluated: 2023-03-23. Review status: criteria provided, single submitter. Criteria: Dines et al. (Genet Med. 2020). Collection method: curation. Allele origin: germline.
Comment: Missense variant in a coldspot region where missense variants are very unlikely to be pathogenic (PMID:31911673).

BRCA1 coldspot (exon 11 using historical exon numbering). Reclassification based on statistical prior probability

Department of Pathology and Laboratory Medicine, Sinai Health System
Classification: Uncertain significance for Malignant tumor of breast. Review status: no assertion criteria provided. Collection method: clinical testing. Allele origin: unknown. Affected: yes. Observed: 1 variant allele. Study: The Canadian Open Genetics Repository (COGR). Not counted in ClinVar's aggregate classification.
Comment: The p.Glu1013Lys variant has not been reported in the literature. This residue is not conserved in mammals and computational analyses (PolyPhen2, SIFT, AlignGVGD) do not suggest a high likelihood of impact to the protein. However, this information is not predictive enough to rule out pathogenicity. In summary, based on the above information, the clinical significance of this variant cannot be determined with certainty at this time. This variant is classified as a variant of unknown significance.